The following is an entry in ClinVar:

ClinVar aggregate classification (germline): Conflicting classifications of pathogenicity. Review status: criteria provided, conflicting classifications (1 of 4 stars). 10 submissions from 10 submitters: Uncertain significance (2); Benign (1); Likely benign (6). 1 of the submissions does not count toward it. Last evaluated 2026-01-28.

Conditions:
SLX4-related disorder. Also called: SLX4-related condition.
Fanconi anemia complementation group P. Also called: SLX4-Related Fanconi Anemia. Identifiers: Orphanet 84, MedGen C3469542, MONDO:0013499, OMIM 613951.
Fanconi anemia (FA). Also called: Fanconi's anemia. Identifiers: Orphanet 84, MedGen C0015625, MeSH D005199, MONDO:0019391.

Allele frequency attached by ClinVar (database versions not stated): gnomAD exomes 0.00048; ExAC 0.00061; 1000 Genomes Project 0.00200; gnomAD 0.00210; TOPMed 0.00217; 1000 Genomes Project 30x 0.00234; ESP Exome Variant Server 0.00269.
gnomAD v4.1: 638 of 1,614,138 alleles (0.04%); highest among the groups gnomAD compares: African/African-American, 0.75%; 1 homozygote.

Submissions (10):

Labcorp Genetics (formerly Invitae), Labcorp
Classification: Likely benign for Fanconi anemia. Last evaluated: 2026-01-28. Review status: criteria provided, single submitter. Criteria: Invitae Variant Classification Sherloc (09022015). Collection method: clinical testing. Allele origin: germline.

ARUP Laboratories, Molecular Genetics and Genomics, ARUP Laboratories
Classification: Likely benign for Fanconi anemia complementation group P. Last evaluated: 2025-01-13. Review status: criteria provided, single submitter. Criteria: ARUP Molecular Germline Variant Investigation Process 2024. Collection method: clinical testing. Allele origin: germline.

Blueprint Genetics
Classification: Uncertain significance. Last evaluated: 2024-10-17. Review status: criteria provided, single submitter. Criteria: ACMG Guidelines, 2015. Collection method: clinical testing. Allele origin: germline.

GeneDx
Classification: Uncertain significance. Last evaluated: 2023-10-03. Review status: criteria provided, single submitter. Criteria: GeneDx Variant Classification Process June 2021. Collection method: clinical testing. Allele origin: germline. Affected: yes.
Comment: In silico analysis supports that this missense variant does not alter protein structure/function; Has not been previously reported as a pathogenic or benign germline variant to our knowledge; This variant is associated with the following publications: (PMID: 26979391)

KCCC/NGS Laboratory, Kuwait Cancer Control Center
Classification: Likely benign for Fanconi anemia complementation group P. Last evaluated: 2023-07-07. Review status: criteria provided, single submitter. Criteria: ACMG Guidelines, 2015. Collection method: clinical testing. Allele origin: germline. Affected: yes.

Mendelics
Classification: Benign. Last evaluated: 2022-05-04. Review status: criteria provided, single submitter. Criteria: Mendelics Assertion Criteria 2019. Collection method: clinical testing. Allele origin: germline.

Fulgent Genetics
Classification: Likely benign for Fanconi anemia complementation group P. Last evaluated: 2021-08-19. Review status: criteria provided, single submitter. Criteria: ACMG Guidelines, 2015. Collection method: clinical testing. Allele origin: unknown.

Sema4
Classification: Likely benign for Fanconi anemia. Last evaluated: 2021-06-17. Review status: criteria provided, single submitter. Criteria: Sema4 Curation Guidelines. Collection method: curation. Allele origin: germline.

Genetic Services Laboratory, University of Chicago
Classification: Likely benign. Last evaluated: 2020-12-17. Review status: criteria provided, single submitter. Criteria: ACMG Guidelines, 2015. Collection method: clinical testing. Allele origin: germline. Affected: no.

PreventionGenetics, part of Exact Sciences
Classification: Likely benign for SLX4-related condition. Last evaluated: 2020-01-02. Review status: no assertion criteria provided. Collection method: clinical testing. Allele origin: germline. Not counted in ClinVar's aggregate classification.
Comment: This variant is classified as likely benign based on ACMG/AMP sequence variant interpretation guidelines (Richards et al. 2015 PMID: 25741868, with internal and published modifications).

NM_032444.4(SLX4):c.2103G>C (p.Glu701Asp)

Gene: SLX4 (SLX4 structure-specific endonuclease subunit; minus strand). Cytogenetic location: 16p13.3.
Variant type: single nucleotide variant.
Coding change: c.2103G>C on transcript NM_032444.4 (MANE Select); coding-DNA position 2103, G replaced by C.
Protein change: p.Glu701Asp; replaces glutamic acid 701 with aspartic acid.
Molecular consequence: missense variant.
Genome position (GRCh38, 1-based): chr16:3,594,510, C>G on the plus strand (G>C on the coding strand, the complement: SLX4 is on the minus strand). VCF-style: chr16-3594510-C-G. GRCh37 (hg19) VCF-style: chr16-3644511-C-G.
Other names: c.2103G>C (LRG_503t1); short protein forms E701D.
Identifiers: ClinVar variation 414707 (VCV000414707.23), dbSNP rs73505420, ClinGen allele CA7866291.